The following is an entry in ClinVar:

NC_000021.8:g.(?_47744143)_(47865240_?)del

Gene: PCNT (pericentrin; plus strand). Cytogenetic location: 21q22.3.
Variant type: Deletion.
Identifiers: ClinVar variation 3248187 (VCV003248187.1).

ClinVar aggregate classification (germline): Pathogenic (1 of 4 stars; one submission).

Submission:

Labcorp Genetics (formerly Invitae), Labcorp
Classification: Pathogenic. Last evaluated: 2023-10-13. Review status: criteria provided, single submitter. Criteria: Invitae Variant Classification Sherloc (09022015). Collection method: clinical testing. Allele origin: unknown.
Comment: A gross deletion of the genomic region encompassing the full coding sequence of the PCNT gene has been identified. Loss-of-function variants in PCNT are known to be pathogenic (PMID: 18174396, 22821869). The boundaries of this event are unknown as they extend beyond the assayed region for this gene and therefore may encompass additional genes. This variant has not been reported in the literature in individuals affected with PCNT-related conditions. For these reasons, this variant has been classified as Pathogenic.

Literature cited by the submitters: PubMed 18174396; PubMed 22821869.